The following is an entry in ClinVar:

ClinVar aggregate classification (germline): Uncertain significance (1 of 4 stars; one submission).

Conditions:
Hereditary cancer-predisposing syndrome. Also called: Tumor predisposition; Hereditary Cancer Syndrome; Hereditary neoplastic syndrome; Neoplastic Syndromes, Hereditary. Identifiers: Orphanet 140162, MedGen C0027672, MeSH D009386, MONDO:0015356.

Submission:

Ambry Genetics
Classification: Uncertain significance for Hereditary cancer-predisposing syndrome. Last evaluated: 2024-05-16. Review status: criteria provided, single submitter. Criteria: Ambry Variant Classification Scheme 2023. Collection method: clinical testing. Allele origin: germline.
Comment: The p.V455L variant (also known as c.1363G>C), located in coding exon 10 of the POLD1 gene, results from a G to C substitution at nucleotide position 1363. The valine at codon 455 is replaced by leucine, an amino acid with highly similar properties. This amino acid position is conserved. In addition, this alteration is predicted to be tolerated by in silico analysis. Based on the available evidence, the clinical significance of this variant remains unclear.

NM_002691.4(POLD1):c.1363G>C (p.Val455Leu)

Gene: POLD1 (DNA polymerase delta 1, catalytic subunit; plus strand). Cytogenetic location: 19q13.33.
Variant type: single nucleotide variant.
Coding change: c.1363G>C on transcript NM_002691.4 (MANE Select); coding-DNA position 1363, G replaced by C.
Protein change: p.Val455Leu; replaces valine 455 with leucine.
Molecular consequence: missense variant. On other transcripts: non-coding transcript variant (1).
Genome position (GRCh38, 1-based): chr19:50,406,302, G>C. VCF-style: chr19-50406302-G-C. GRCh37 (hg19) VCF-style: chr19-50909559-G-C.
Other names: c.1363G>C, p.Val455Leu (NM_001256849.1, NM_001308632.1); short protein forms V455L.
Identifiers: ClinVar variation 3308296 (VCV003308296.1).